The following is an entry in ClinVar:

NM_144997.7(FLCN):c.97G>T (p.Asp33Tyr)

Gene: FLCN (folliculin; minus strand). Cytogenetic location: 17p11.2.
Variant type: single nucleotide variant.
Coding change: c.97G>T on transcript NM_144997.7 (MANE Select); coding-DNA position 97, G replaced by T.
Protein change: p.Asp33Tyr; replaces aspartic acid 33 with tyrosine.
Molecular consequence: missense variant.
Genome position (GRCh38, 1-based): chr17:17,228,041, C>A on the plus strand (G>T on the coding strand, the complement: FLCN is on the minus strand). VCF-style: chr17-17228041-C-A. GRCh37 (hg19) VCF-style: chr17-17131355-C-A.
Other names: c.97G>T (LRG_325t1); c.97G>T, p.Asp33Tyr (NM_001353229.2, NM_001353230.2, NM_001353231.2 and 1 more transcripts); short protein forms D33Y.
Identifiers: ClinVar variation 230017 (VCV000230017.13), dbSNP rs386833401, ClinGen allele CA10580176.

ClinVar aggregate classification (germline): Uncertain significance. Review status: criteria provided, multiple submitters, no conflicts (2 of 4 stars). 2 submissions from 2 submitters: Uncertain significance (2). Last evaluated 2025-07-16.

Conditions:
Hereditary cancer-predisposing syndrome. Also called: Hereditary Cancer Syndrome; Neoplastic Syndromes, Hereditary; Tumor predisposition; Hereditary neoplastic syndrome. Identifiers: Orphanet 140162, MedGen C0027672, MeSH D009386, MONDO:0015356.
Birt-Hogg-Dube syndrome. Also called: Birt Hogg Dubé syndrome. Identifiers: Orphanet 122, MedGen C0346010, MONDO:0800444.

Allele frequency attached by ClinVar (database versions not stated): gnomAD 0.00001; TOPMed 0.00001.
gnomAD v4.1: 6 of 1,613,808 alleles (0.00037%); highest among the groups gnomAD compares: Non-Finnish European, 0.00051%; no homozygotes.

Submissions (2):

Labcorp Genetics (formerly Invitae), Labcorp
Classification: Uncertain significance for Birt-Hogg-Dube syndrome. Last evaluated: 2025-07-16. Review status: criteria provided, single submitter. Criteria: Invitae Variant Classification Sherloc (09022015). Collection method: clinical testing. Allele origin: germline.
Comment: This sequence change replaces aspartic acid, which is acidic and polar, with tyrosine, which is neutral and polar, at codon 33 of the FLCN protein (p.Asp33Tyr). This variant is not present in population databases (gnomAD no frequency). This variant has not been reported in the literature in individuals affected with FLCN-related conditions. ClinVar contains an entry for this variant (Variation ID: 230017). Invitae Evidence Modeling of protein sequence and biophysical properties (such as structural, functional, and spatial information, amino acid conservation, physicochemical variation, residue mobility, and thermodynamic stability) indicates that this missense variant is not expected to disrupt FLCN protein function with a negative predictive value of 80%. In summary, the available evidence is currently insufficient to determine the role of this variant in disease. Therefore, it has been classified as a Variant of Uncertain Significance.

Ambry Genetics
Classification: Uncertain significance for Hereditary cancer-predisposing syndrome. Last evaluated: 2023-09-06. Review status: criteria provided, single submitter. Criteria: Ambry Variant Classification Scheme 2023. Collection method: clinical testing. Allele origin: germline.
Comment: The p.D33Y variant (also known as c.97G>T), located in coding exon 1 of the FLCN gene, results from a G to T substitution at nucleotide position 97. The aspartic acid at codon 33 is replaced by tyrosine, an amino acid with highly dissimilar properties. This amino acid position is poorly conserved in available vertebrate species. In addition, the in silico prediction for this alteration is inconclusive. Since supporting evidence is limited at this time, the clinical significance of this alteration remains unclear.